The following is an entry in ClinVar:

ClinVar aggregate classification (germline): Uncertain significance. Review status: criteria provided, multiple submitters, no conflicts (2 of 4 stars). 2 submissions from 2 submitters: Uncertain significance (2). Last evaluated 2024-10-14.

Conditions:
Ataxia - intellectual disability - oculomotor apraxia - cerebellar cysts syndrome. Also called: Poretti-Boltshauser syndrome. Identifiers: Orphanet 370022, MedGen C4014821, MONDO:0014419, OMIM 615960.

Allele frequency attached by ClinVar (database versions not stated): ExAC 0.00004; gnomAD exomes 0.00004; gnomAD 0.00008 and 0.00009; TOPMed 0.00010.
gnomAD v4.1: 189 of 1,610,248 alleles (0.012%); highest among the groups gnomAD compares: Non-Finnish European, 0.016%; no homozygotes.

Submissions (2):

Labcorp Genetics (formerly Invitae), Labcorp
Classification: Uncertain significance. Last evaluated: 2024-10-14. Review status: criteria provided, single submitter. Criteria: Invitae Variant Classification Sherloc (09022015). Collection method: clinical testing. Allele origin: germline.
Comment: This sequence change replaces glycine, which is neutral and non-polar, with arginine, which is basic and polar, at codon 1227 of the LAMA1 protein (p.Gly1227Arg). This variant is present in population databases (rs776158943, gnomAD 0.008%). This variant has not been reported in the literature in individuals affected with LAMA1-related conditions. ClinVar contains an entry for this variant (Variation ID: 1361973). Invitae Evidence Modeling of protein sequence and biophysical properties (such as structural, functional, and spatial information, amino acid conservation, physicochemical variation, residue mobility, and thermodynamic stability) indicates that this missense variant is not expected to disrupt LAMA1 protein function with a negative predictive value of 80%. In summary, the available evidence is currently insufficient to determine the role of this variant in disease. Therefore, it has been classified as a Variant of Uncertain Significance.

Fulgent Genetics
Classification: Uncertain significance for Ataxia - intellectual disability - oculomotor apraxia - cerebellar cysts syndrome. Last evaluated: 2021-10-25. Review status: criteria provided, single submitter. Criteria: ACMG Guidelines, 2015. Collection method: clinical testing. Allele origin: unknown.

NM_005559.4(LAMA1):c.3679G>A (p.Gly1227Arg)

Gene: LAMA1 (laminin subunit alpha 1; minus strand). Cytogenetic location: 18p11.31.
Variant type: single nucleotide variant.
Coding change: c.3679G>A on transcript NM_005559.4 (MANE Select); coding-DNA position 3679, G replaced by A.
Protein change: p.Gly1227Arg; replaces glycine 1227 with arginine.
Molecular consequence: missense variant.
Genome position (GRCh38, 1-based): chr18:7,011,308, C>T on the plus strand (G>A on the coding strand, the complement: LAMA1 is on the minus strand). VCF-style: chr18-7011308-C-T. GRCh37 (hg19) VCF-style: chr18-7011307-C-T.
Other names: short protein forms G1227R.
Identifiers: ClinVar variation 1361973 (VCV001361973.7), dbSNP rs776158943, ClinGen allele CA8882199.